The following is an entry in ClinVar:

NM_130466.4(UBE3B):c.469C>T (p.Arg157Ter)

Gene: UBE3B (ubiquitin protein ligase E3B; plus strand). Cytogenetic location: 12q24.11.
Variant type: single nucleotide variant.
Coding change: c.469C>T on transcript NM_130466.4 (MANE Select); coding-DNA position 469, C replaced by T.
Protein change: p.Arg157Ter; replaces arginine 157 with a stop codon.
Molecular consequence: nonsense.
Genome position (GRCh38, 1-based): chr12:109,488,593, C>T. VCF-style: chr12-109488593-C-T. GRCh37 (hg19) VCF-style: chr12-109926398-C-T.
Other names: c.469C>T, p.Arg157Ter (NM_001270449.2, NM_001270450.2, NM_001270451.2 and 1 more transcripts); short protein forms R157*.
Identifiers: ClinVar variation 2901932 (VCV002901932.3), dbSNP rs373717944, ClinGen allele CA6777529.
Genomic context (GRCh38, chr12:109,488,593, plus strand): 5'-AGACGTGTGTCTTAATCTTGCTGTGTTTATTGTTTCCAGCCTGAAATCCTGCAGGACTCC[C>T]GACTCATCACCCTGTACCTCACGATGCTTGTCACCTTCACAGACACTTCAACGTGGAAAA-3'

ClinVar aggregate classification (germline): Pathogenic (1 of 4 stars; one submission).

Allele frequency attached by ClinVar (database versions not stated): ESP Exome Variant Server 0.00008.

Submission:

Labcorp Genetics (formerly Invitae), Labcorp
Classification: Pathogenic. Last evaluated: 2023-09-17. Review status: criteria provided, single submitter. Criteria: Invitae Variant Classification Sherloc (09022015). Collection method: clinical testing. Allele origin: germline.
Comment: This sequence change creates a premature translational stop signal (p.Arg157*) in the UBE3B gene. It is expected to result in an absent or disrupted protein product. Loss-of-function variants in UBE3B are known to be pathogenic (PMID: 23687348, 24615390). This variant is present in population databases (rs373717944, gnomAD 0.004%). For these reasons, this variant has been classified as Pathogenic. This premature translational stop signal has been observed in individual(s) with clinical features of Kaufman oculocerebrofacial syndrome (PMID: 33879512).

Literature cited by the submitters: PubMed 23687348; PubMed 24615390; PubMed 33879512.